The following is an entry in ClinVar:

NM_003321.5(TUFM):c.1325C>T (p.Thr442Met)

Gene: TUFM (Tu translation elongation factor, mitochondrial; minus strand). Cytogenetic location: 16p11.2.
Variant type: single nucleotide variant.
Coding change: c.1325C>T on transcript NM_003321.5 (MANE Select); coding-DNA position 1325, C replaced by T.
Protein change: p.Thr442Met; replaces threonine 442 with methionine.
Molecular consequence: missense variant.
Genome position (GRCh38, 1-based): chr16:28,843,018, G>A on the plus strand (C>T on the coding strand, the complement: TUFM is on the minus strand). VCF-style: chr16-28843018-G-A. GRCh37 (hg19) VCF-style: chr16-28854339-G-A.
Other names: c.1241C>T, p.Thr414Met (NM_001365360.2); short protein forms T414M, T442M.
Identifiers: ClinVar variation 4527397 (VCV004527397.1).

ClinVar aggregate classification (germline): Uncertain significance (1 of 4 stars; one submission).

Submission:

GeneDx
Classification: Uncertain significance. Last evaluated: 2025-04-22. Review status: criteria provided, single submitter. Criteria: GeneDx Variant Classification Process June 2021. Collection method: clinical testing. Allele origin: germline. Affected: yes.
Comment: Not observed at significant frequency in large population cohorts (gnomAD); In silico analysis indicates that this missense variant does not alter protein structure/function; Has not been previously published as pathogenic or benign to our knowledge